The following is an entry in ClinVar:

ClinVar aggregate classification (germline): Uncertain significance (1 of 4 stars; one submission).

Conditions:
Kleefstra syndrome 2 (KLEFS2). Identifiers: MedGen C4540395, MONDO:0054701, OMIM 617768.

Allele frequency attached by ClinVar (database versions not stated): TOPMed below 0.00001.

Submission:

Neuberg Centre For Genomic Medicine, NCGM
Classification: Uncertain significance for Kleefstra syndrome 2. Review status: criteria provided, single submitter. Criteria: ACMG Guidelines, 2015. Collection method: clinical testing. Allele origin: germline. Inheritance: Autosomal dominant inheritance. Affected: yes.
Comment: The c.2645T>C (p.Ile882Thr) missense variant in KMT2C gene has not been reported previously as a pathogenic variant nor as a benign variant, to our knowledge. The p.Ile882Thr variant is novel (not in any individuals) in gnomAD Exomes and 1000 Genomes. The amino acid Ile at position 882 is changed to a Thr changing protein sequence and it might alter its composition and physico-chemical properties. The variant is predicted to be damaging by both SIFT and PolyPhen2. The residue is conserved across species. The amino acid change p.Ile882Thr in KMT2C is predicted as conserved by GERP++ and PhyloP across 100 vertebrates. For these reasons, this variant has been classified as Variant of Uncertain Significance (VUS).

NM_170606.3(KMT2C):c.2645T>C (p.Ile882Thr)

Gene: KMT2C (lysine methyltransferase 2C; minus strand). Cytogenetic location: 7q36.1.
Variant type: single nucleotide variant.
Coding change: c.2645T>C on transcript NM_170606.3 (MANE Select); coding-DNA position 2645, T replaced by C.
Protein change: p.Ile882Thr; replaces isoleucine 882 with threonine.
Molecular consequence: missense variant.
Genome position (GRCh38, 1-based): chr7:152,238,714, A>G on the plus strand (T>C on the coding strand, the complement: KMT2C is on the minus strand). VCF-style: chr7-152238714-A-G. GRCh37 (hg19) VCF-style: chr7-151935799-A-G.
Other names: short protein forms I882T.
Identifiers: ClinVar variation 2585405 (VCV002585405.1), dbSNP rs199839047, ClinGen allele CA169244972.